The following is an entry in ClinVar:

NM_002948.5(RPL15):c.446A>G (p.Gln149Arg)

Genes: NKIRAS1 (NFKB inhibitor interacting Ras like 1; minus strand), RPL15 (ribosomal protein L15; plus strand). Cytogenetic location: 3p24.2.
Variant type: single nucleotide variant.
Coding change: c.446A>G on transcript NM_002948.5 (MANE Select); coding-DNA position 446, A replaced by G.
Protein change: p.Gln149Arg; replaces glutamine 149 with arginine.
Molecular consequence: missense variant. On other transcripts: intron variant (2).
Genome position (GRCh38, 1-based): chr3:23,919,332, A>G. VCF-style: chr3-23919332-A-G. GRCh37 (hg19) VCF-style: chr3-23960823-A-G.
Other names: c.446A>G, p.Gln149Arg (NM_001253379.2, NM_001253380.2, NM_001253382.2 and 1 more transcripts); c.-139-7882T>C (NM_001377380.1); c.360+86A>G (NM_001253384.2); short protein forms Q149R.
Identifiers: ClinVar variation 3018730 (VCV003018730.3), dbSNP rs1198474970, ClinGen allele CA351882349.

ClinVar aggregate classification (germline): Uncertain significance (1 of 4 stars; one submission).

Allele frequency attached by ClinVar (database versions not stated): gnomAD 0.00001; TOPMed 0.00002; gnomAD exomes below 0.00001.
gnomAD v4.1: 6 of 1,602,932 alleles (0.00037%); highest among the groups gnomAD compares: Admixed American, 0.0033%; no homozygotes.

Submission:

Labcorp Genetics (formerly Invitae), Labcorp
Classification: Uncertain significance. Last evaluated: 2023-01-24. Review status: criteria provided, single submitter. Criteria: Invitae Variant Classification Sherloc (09022015). Collection method: clinical testing. Allele origin: germline.
Comment: Algorithms developed to predict the effect of missense changes on protein structure and function (SIFT, PolyPhen-2, Align-GVGD) all suggest that this variant is likely to be tolerated. In summary, the available evidence is currently insufficient to determine the role of this variant in disease. Therefore, it has been classified as a Variant of Uncertain Significance. This variant has not been reported in the literature in individuals affected with RPL15-related conditions. This variant is present in population databases (no rsID available, gnomAD 0.003%). This sequence change replaces glutamine, which is neutral and polar, with arginine, which is basic and polar, at codon 149 of the RPL15 protein (p.Gln149Arg).